The following is an entry in ClinVar:

ClinVar aggregate classification (germline): Uncertain significance (1 of 4 stars; one submission).

Conditions:
Hereditary cancer-predisposing syndrome. Also called: Neoplastic Syndromes, Hereditary; Tumor predisposition; Hereditary Cancer Syndrome; Hereditary neoplastic syndrome. Identifiers: Orphanet 140162, MedGen C0027672, MeSH D009386, MONDO:0015356.

Submission:

Ambry Genetics
Classification: Uncertain significance for Hereditary cancer-predisposing syndrome. Last evaluated: 2025-06-17. Review status: criteria provided, single submitter. Criteria: Ambry Variant Classification Scheme 2023. Collection method: clinical testing. Allele origin: germline.
Comment: The p.Q1104R variant (also known as c.3311A>G), located in coding exon 28 of the TSC2 gene, results from an A to G substitution at nucleotide position 3311. The glutamine at codon 1104 is replaced by arginine, an amino acid with highly similar properties. This amino acid position is conserved. In addition, the in silico prediction for this alteration is inconclusive. Based on the available evidence, the clinical significance of this variant remains unclear.

NM_000548.5(TSC2):c.3311A>G (p.Gln1104Arg)

Gene: TSC2 (TSC complex subunit 2; plus strand). Cytogenetic location: 16p13.3.
Variant type: single nucleotide variant.
Coding change: c.3311A>G on transcript NM_000548.5 (MANE Select); coding-DNA position 3311, A replaced by G.
Protein change: p.Gln1104Arg; replaces glutamine 1104 with arginine.
Molecular consequence: missense variant. On other transcripts: non-coding transcript variant (5).
Genome position (GRCh38, 1-based): chr16:2,079,583, A>G. VCF-style: chr16-2079583-A-G. GRCh37 (hg19) VCF-style: chr16-2129584-A-G.
Other names: c.2579A>G, p.Gln860Arg (NM_001406687.1, NM_001406688.1, NM_001318831.2); c.1967A>G, p.Gln656Arg (NM_001406689.1); c.1838A>G, p.Gln613Arg (NM_001406690.1, NM_001406692.1, NM_001406693.1 and 1 more transcripts); c.1835A>G, p.Gln612Arg (NM_001406691.1, NM_001406695.1, NM_001406696.1 and 1 more transcripts); c.3179A>G, p.Gln1060Arg (NM_001077183.3, NM_001370404.1, NM_001406665.1); c.3311A>G, p.Gln1104Arg (NM_001114382.3); c.3071A>G, p.Gln1024Arg (NM_001318827.2); c.3035A>G, p.Gln1012Arg (NM_001318829.2); and 18 more; short protein forms Q1023R, Q1060R, Q1061R, Q1071R, Q1091R, Q1011R, Q1054R, Q1067R.
Identifiers: ClinVar variation 4192131 (VCV004192131.1).